The following is an entry in ClinVar:

NM_177531.6(PKHD1L1):c.4306G>A (p.Gly1436Arg)

Gene: PKHD1L1 (PKHD1 like 1; plus strand). Cytogenetic location: 8q23.1.
Variant type: single nucleotide variant.
Coding change: c.4306G>A on transcript NM_177531.6 (MANE Select); coding-DNA position 4306, G replaced by A.
Protein change: p.Gly1436Arg; replaces glycine 1436 with arginine.
Molecular consequence: missense variant.
Genome position (GRCh38, 1-based): chr8:109,442,108, G>A. VCF-style: chr8-109442108-G-A. GRCh37 (hg19) VCF-style: chr8-110454337-G-A.
Other names: short protein forms G1436R.
Identifiers: ClinVar variation 4981127 (VCV004981127.1).

ClinVar aggregate classification (germline): Likely benign (1 of 4 stars; one submission).

Conditions:
PKHD1L1-related disorder. Also called: PKHD1L1-related condition.

gnomAD v4.1: 3,408 of 1,613,440 alleles (0.21%); highest among the groups gnomAD compares: South Asian, 0.46%; 7 homozygotes.

Submission:

PreventionGenetics, part of Exact Sciences
Classification: Likely benign for PKHD1L1-related condition. Last evaluated: 2024-12-05. Review status: criteria provided, single submitter. Criteria: ACMG Guidelines, 2015. Collection method: clinical testing. Allele origin: germline.
Comment: This variant is classified as likely benign based on ACMG/AMP sequence variant interpretation guidelines (Richards et al. 2015 PMID: 25741868, with internal and published modifications).